The following is an entry in ClinVar:

NM_001142800.2(EYS):c.7361_7362dup (p.Ser2455fs)

Gene: EYS (EGF-like photoreceptor maintenance factor; minus strand). Cytogenetic location: 6q12.
Variant type: Duplication.
Coding change: c.7361_7362dup on transcript NM_001142800.2 (MANE Select); coding-DNA positions 7361 to 7362, 2 bases duplicated (AC; older notation c.7361_7362dupAC).
Protein change: p.Ser2455fs; shifts the reading frame from serine 2455.
Molecular consequence: frameshift variant.
Genome position (GRCh38, 1-based): chr6:63,806,239-63,806,240, GT duplicated on the plus strand (AC on the coding strand, the reverse complement: EYS is on the minus strand); duplicating any 2 consecutive bases within chr6:63,806,239-63,806,241 gives the same sequence; the c. name uses the placement nearest the transcript's 3' end. VCF-style (leftmost placement, unchanged base first): chr6-63806238-A-AGT. GRCh37 (hg19) VCF-style: chr6-64516131-A-AGT.
Other names: c.7361_7362dup, p.Ser2455fs (NM_001292009.2); short protein forms S2455fs.
Identifiers: ClinVar variation 2816766 (VCV002816766.3), dbSNP rs2533573921, ClinGen allele CA2739273157.

ClinVar aggregate classification (germline): Pathogenic (1 of 4 stars; one submission).

Submission:

Labcorp Genetics (formerly Invitae), Labcorp
Classification: Pathogenic. Last evaluated: 2022-11-25. Review status: criteria provided, single submitter. Criteria: Invitae Variant Classification Sherloc (09022015). Collection method: clinical testing. Allele origin: germline.
Comment: This sequence change creates a premature translational stop signal (p.Ser2455Thrfs*8) in the EYS gene. It is expected to result in an absent or disrupted protein product. Loss-of-function variants in EYS are known to be pathogenic (PMID: 18836446, 20333770). For these reasons, this variant has been classified as Pathogenic. Algorithms developed to predict the effect of sequence changes on RNA splicing suggest that this variant may disrupt the consensus splice site. This variant has not been reported in the literature in individuals affected with EYS-related conditions. This variant is not present in population databases (gnomAD no frequency).

Literature cited by the submitters: PubMed 18836446; PubMed 20333770.